The following is an entry in ClinVar:

NM_001267550.2(TTN):c.11959A>G (p.Ile3987Val)

Gene: TTN (titin; minus strand). Cytogenetic location: 2q31.2.
Variant type: single nucleotide variant.
Coding change: c.11959A>G on transcript NM_001267550.2 (MANE Select); coding-DNA position 11959, A replaced by G.
Protein change: p.Ile3987Val; replaces isoleucine 3987 with valine.
Molecular consequence: missense variant. On other transcripts: intron variant (1).
Genome position (GRCh38, 1-based): chr2:178,741,274, T>C on the plus strand (A>G on the coding strand, the complement: TTN is on the minus strand). VCF-style: chr2-178741274-T-C. GRCh37 (hg19) VCF-style: chr2-179606001-T-C.
Other names: c.11959A>G (NM_001267550.1); c.11008A>G, p.Ile3670Val (NM_001256850.1); c.10870A>G, p.Ile3624Val (NM_003319.4); c.11245A>G, p.Ile3749Val (NM_133432.3); c.11446A>G, p.Ile3816Val (NM_133437.4); c.10361-2914A>G (NM_133378.4); short protein forms I3624V, I3987V, I3670V, I3749V, I3816V.
Identifiers: ClinVar variation 264496 (VCV000264496.18), dbSNP rs551387805, ClinGen allele CA2002783.

ClinVar aggregate classification (germline): Conflicting classifications of pathogenicity. Review status: criteria provided, conflicting classifications (1 of 4 stars). 6 submissions from 6 submitters: Uncertain significance (1); Likely benign (4). 1 of the submissions does not count toward it. Last evaluated 2025-11-27.

Conditions:
TTN-related disorder. Also called: TTN-related condition; TTN-related disease; TTN-related disorders.
Cardiovascular phenotype. Identifiers: MedGen CN230736.
Autosomal recessive limb-girdle muscular dystrophy type 2J (LGMDR10). Also called: Limb-girdle muscular dystrophy, type 2J; MUSCULAR DYSTROPHY, LIMB-GIRDLE, AUTOSOMAL RECESSIVE 10. Identifiers: Orphanet 140922, MedGen C1837342, MONDO:0012127, OMIM 608807.
Dilated cardiomyopathy 1G (CMD1G). Identifiers: Orphanet 154, MedGen C1858763, MONDO:0011400, OMIM 604145.

Allele frequency attached by ClinVar (database versions not stated): gnomAD below 0.00001 and 0.00003; TOPMed 0.00002; gnomAD exomes 0.00012 and 0.00021; 1000 Genomes Project 0.00020; ExAC 0.00023; 1000 Genomes Project 30x 0.00031.
gnomAD v4.1: 181 of 1,613,906 alleles (0.011%); highest among the groups gnomAD compares: South Asian, 0.17%; 2 homozygotes.

Submissions (6):

Labcorp Genetics (formerly Invitae), Labcorp
Classification: Likely benign for Dilated cardiomyopathy 1G; Autosomal recessive limb-girdle muscular dystrophy type 2J. Last evaluated: 2025-11-27. Review status: criteria provided, single submitter. Criteria: Invitae Variant Classification Sherloc (09022015). Collection method: clinical testing. Allele origin: germline.

Athena Diagnostics
Classification: Likely benign. Last evaluated: 2024-12-17. Review status: criteria provided, single submitter. Criteria: Athena Diagnostics Criteria. Collection method: clinical testing. Allele origin: unknown.
Comment: The frequency of this variant in the general population is higher than would generally be expected for pathogenic variants in this gene. Computational tools predict this amino acid change may be benign.

Blueprint Genetics
Classification: Likely benign. Last evaluated: 2024-10-24. Review status: criteria provided, single submitter. Criteria: ACMG Guidelines, 2015. Collection method: clinical testing. Allele origin: germline.

Ambry Genetics
Classification: Uncertain significance for Cardiovascular phenotype. Last evaluated: 2018-12-13. Review status: criteria provided, single submitter. Criteria: Ambry Variant Classification Scheme 2023. Collection method: clinical testing. Allele origin: germline.
Comment: The p.I3624V variant (also known as c.10870A>G), located in coding exon 44 of the TTN gene, results from an A to G substitution at nucleotide position 10870. The isoleucine at codon 3624 is replaced by valine, an amino acid with highly similar properties. This amino acid position is not well conserved in available vertebrate species, and valine is the reference amino acid in other vertebrate species. In addition, this alteration is predicted to be tolerated by in silico analysis. Since supporting evidence is limited at this time, the clinical significance of this variant remains unclear.

GeneDx
Classification: Likely benign. Last evaluated: 2017-05-04. Review status: criteria provided, single submitter. Criteria: GeneDx Variant Classification (06012015). Collection method: clinical testing. Allele origin: germline. Affected: yes.
Comment: This variant is considered likely benign or benign based on one or more of the following criteria: it is a conservative change, it occurs at a poorly conserved position in the protein, it is predicted to be benign by multiple in silico algorithms, and/or has population frequency not consistent with disease.

PreventionGenetics, part of Exact Sciences
Classification: Likely benign for TTN-related condition. Last evaluated: 2024-08-12. Review status: no assertion criteria provided. Collection method: clinical testing. Allele origin: germline. Not counted in ClinVar's aggregate classification.
Comment: This variant is classified as likely benign based on ACMG/AMP sequence variant interpretation guidelines (Richards et al. 2015 PMID: 25741868, with internal and published modifications).

Literature cited by the submitters: PubMed 33297573 (cited by Athena Diagnostics).